The following is an entry in ClinVar:

NM_001040108.2(MLH3):c.3706C>T (p.Leu1236Phe)

Gene: MLH3 (mutL homolog 3; minus strand). Cytogenetic location: 14q24.3.
Variant type: single nucleotide variant.
Coding change: c.3706C>T on transcript NM_001040108.2 (MANE Select); coding-DNA position 3706, C replaced by T.
Protein change: p.Leu1236Phe; replaces leucine 1236 with phenylalanine.
Molecular consequence: missense variant. On other transcripts: intron variant (1).
Genome position (GRCh38, 1-based): chr14:75,033,428, G>A on the plus strand (C>T on the coding strand, the complement: MLH3 is on the minus strand). VCF-style: chr14-75033428-G-A. GRCh37 (hg19) VCF-style: chr14-75500131-G-A.
Other names: c.3644-1249C>T (NM_014381.3); short protein forms L1236F.
Identifiers: ClinVar variation 3232554 (VCV003232554.3), dbSNP rs2503141742, ClinGen allele CA390425266.

ClinVar aggregate classification (germline): Uncertain significance. Review status: criteria provided, multiple submitters, no conflicts (2 of 4 stars). 2 submissions from 2 submitters: Uncertain significance (2). Last evaluated 2024-05-28.

Conditions:
Colorectal cancer, hereditary nonpolyposis, type 7. Identifiers: Orphanet 144, MedGen C1858380, MONDO:0013725, OMIM 614385.

Allele frequency attached by ClinVar (database versions not stated): gnomAD exomes below 0.00001.
gnomAD v4.1: 2 of 1,614,034 alleles (0.00012%); highest among the groups gnomAD compares: South Asian, 0.0011%; no homozygotes.

Submissions (2):

Labcorp Genetics (formerly Invitae), Labcorp
Classification: Uncertain significance for Colorectal cancer, hereditary nonpolyposis, type 7. Last evaluated: 2024-05-28. Review status: criteria provided, single submitter. Criteria: Invitae Variant Classification Sherloc (09022015). Collection method: clinical testing. Allele origin: germline.
Comment: This sequence change replaces leucine, which is neutral and non-polar, with phenylalanine, which is neutral and non-polar, at codon 1236 of the MLH3 protein (p.Leu1236Phe). This variant is not present in population databases (gnomAD no frequency). This variant has not been reported in the literature in individuals affected with MLH3-related conditions. An algorithm developed to predict the effect of missense changes on protein structure and function (PolyPhen-2) suggests that this variant is likely to be disruptive. In summary, the available evidence is currently insufficient to determine the role of this variant in disease. Therefore, it has been classified as a Variant of Uncertain Significance.

Ambry Genetics
Classification: Uncertain significance. Last evaluated: 2023-10-13. Review status: criteria provided, single submitter. Criteria: Ambry Variant Classification Scheme 2023. Collection method: clinical testing. Allele origin: germline.
Comment: The p.L1236F variant (also known as c.3706C>T), located in coding exon 6 of the MLH3 gene, results from a C to T substitution at nucleotide position 3706. The leucine at codon 1236 is replaced by phenylalanine, an amino acid with highly similar properties. This amino acid position is conserved. In addition, this alteration is predicted to be deleterious by in silico analysis. Since supporting evidence is limited at this time, the clinical significance of this alteration remains unclear.